The following is an entry in ClinVar:

ClinVar aggregate classification (germline): Pathogenic (1 of 4 stars; one submission).

Conditions:
Hereditary spastic paraplegia 49 (HSAN9). Also called: Spastic paraplegia 49, autosomal recessive; NEUROPATHY, HEREDITARY SENSORY AND AUTONOMIC, TYPE IX, WITH DEVELOPMENTAL DELAY; TECPR2-Related Hereditary Sensory and Autonomic Neuropathy with Intellectual Disability. Identifiers: Orphanet 320385, MedGen C5190860, MONDO:0014016, OMIM 615031.

Submission:

Labcorp Genetics (formerly Invitae), Labcorp
Classification: Pathogenic for Hereditary spastic paraplegia 49. Last evaluated: 2021-08-27. Review status: criteria provided, single submitter. Criteria: Invitae Variant Classification Sherloc (09022015). Collection method: clinical testing. Allele origin: germline.
Comment: For these reasons, this variant has been classified as Pathogenic. This variant has not been reported in the literature in individuals affected with TECPR2-related conditions. This variant is not present in population databases (ExAC no frequency). This sequence change creates a premature translational stop signal (p.Trp997Glyfs*23) in the TECPR2 gene. It is expected to result in an absent or disrupted protein product. Loss-of-function variants in TECPR2 are known to be pathogenic (PMID: 23176824, 25590979).

Literature cited by the submitters: PubMed 23176824; PubMed 25590979.

NM_014844.5(TECPR2):c.2988_2989del (p.Trp997fs)

Gene: TECPR2 (tectonin beta-propeller repeat containing 2; plus strand). Cytogenetic location: 14q32.31.
Variant type: Microsatellite.
Coding change: c.2988_2989del on transcript NM_014844.5 (MANE Select); coding-DNA positions 2988 to 2989, 2 bases deleted (CT; older notation c.2988_2989delCT).
Protein change: p.Trp997fs; shifts the reading frame from tryptophan 997.
Molecular consequence: frameshift variant.
Genome position (GRCh38, 1-based): chr14:102,445,860-102,445,861, CT deleted; deleting any 2 consecutive bases within chr14:102,445,856-102,445,861 gives the same sequence; the c. name uses the placement nearest the transcript's 3' end. VCF-style (leftmost placement, unchanged base first): chr14-102445855-ACT-A. GRCh37 (hg19) VCF-style: chr14-102912192-ACT-A.
Other names: c.2988_2989del, p.Trp997fs (NM_001172631.3); short protein forms W997fs.
Identifiers: ClinVar variation 1375508 (VCV001375508.6), dbSNP rs2139746567, ClinGen allele CA2575629170.
Genomic context (GRCh38, chr14:102,445,855, plus strand): 5'-CTTATTTTCAGCGAAAGGCAAGCTTTAGAACCCGTCTGCATAACGCTCGGGGATCAGCAG[ACT>A]CTCTGGGCCCTGGACATCCATGGGAACCTGTGGTTCAGAACTGGCATTATTTCCAAGAAG-3'